The following is an entry in ClinVar:

NM_172364.5(CACNA2D4):c.1721A>G (p.Tyr574Cys)

Gene: CACNA2D4 (calcium voltage-gated channel auxiliary subunit alpha2delta 4; minus strand). Cytogenetic location: 12p13.33.
Variant type: single nucleotide variant.
Coding change: c.1721A>G on transcript NM_172364.5 (MANE Select); coding-DNA position 1721, A replaced by G.
Protein change: p.Tyr574Cys; replaces tyrosine 574 with cysteine.
Molecular consequence: missense variant.
Genome position (GRCh38, 1-based): chr12:1,875,336, T>C on the plus strand (A>G on the coding strand, the complement: CACNA2D4 is on the minus strand). VCF-style: chr12-1875336-T-C. GRCh37 (hg19) VCF-style: chr12-1984502-T-C.
Other names: short protein forms Y574C.
Identifiers: ClinVar variation 936255 (VCV000936255.9), dbSNP rs1865861665, ClinGen allele CA383351644.

ClinVar aggregate classification (germline): Uncertain significance (1 of 4 stars; one submission).

Allele frequency attached by ClinVar (database versions not stated): TOPMed below 0.00001.

Submission:

Labcorp Genetics (formerly Invitae), Labcorp
Classification: Uncertain significance. Last evaluated: 2022-08-01. Review status: criteria provided, single submitter. Criteria: Invitae Variant Classification Sherloc (09022015). Collection method: clinical testing. Allele origin: germline.
Comment: In summary, the available evidence is currently insufficient to determine the role of this variant in disease. Therefore, it has been classified as a Variant of Uncertain Significance. Algorithms developed to predict the effect of missense changes on protein structure and function are either unavailable or do not agree on the potential impact of this missense change (SIFT: "Deleterious"; PolyPhen-2: "Probably Damaging"; Align-GVGD: "Class C0"). ClinVar contains an entry for this variant (Variation ID: 936255). This variant has not been reported in the literature in individuals affected with CACNA2D4-related conditions. This variant is not present in population databases (gnomAD no frequency). This sequence change replaces tyrosine, which is neutral and polar, with cysteine, which is neutral and slightly polar, at codon 574 of the CACNA2D4 protein (p.Tyr574Cys).